The following is an entry in ClinVar:

NM_022367.4(SEMA4A):c.436G>T (p.Ala146Ser)

Gene: SEMA4A (semaphorin 4A; plus strand). Cytogenetic location: 1q22.
Variant type: single nucleotide variant.
Coding change: c.436G>T on transcript NM_022367.4 (MANE Select); coding-DNA position 436, G replaced by T.
Protein change: p.Ala146Ser; replaces alanine 146 with serine.
Molecular consequence: missense variant. On other transcripts: 5 prime UTR variant (2), intron variant (1).
Genome position (GRCh38, 1-based): chr1:156,158,460, G>T. VCF-style: chr1-156158460-G-T. GRCh37 (hg19) VCF-style: chr1-156128251-G-T.
Other names: c.436G>T, p.Ala146Ser (NM_001193300.2, NM_001193301.2, NM_001370567.1); c.139G>T, p.Ala47Ser (NM_001370568.1); c.-89G>T (NM_001370569.1, NM_001370571.1); c.67-259G>T (NM_001193302.2); short protein forms A47S, A146S.
Identifiers: ClinVar variation 2107785 (VCV002107785.4), dbSNP rs770370224, ClinGen allele CA342835989.

ClinVar aggregate classification (germline): Uncertain significance (1 of 4 stars; one submission).

Submission:

Labcorp Genetics (formerly Invitae), Labcorp
Classification: Uncertain significance. Last evaluated: 2022-11-08. Review status: criteria provided, single submitter. Criteria: Invitae Variant Classification Sherloc (09022015). Collection method: clinical testing. Allele origin: germline.
Comment: This sequence change replaces alanine, which is neutral and non-polar, with serine, which is neutral and polar, at codon 146 of the SEMA4A protein (p.Ala146Ser). In summary, the available evidence is currently insufficient to determine the role of this variant in disease. Therefore, it has been classified as a Variant of Uncertain Significance. Advanced modeling of protein sequence and biophysical properties (such as structural, functional, and spatial information, amino acid conservation, physicochemical variation, residue mobility, and thermodynamic stability) performed at Invitae indicates that this missense variant is not expected to disrupt SEMA4A protein function. This variant has not been reported in the literature in individuals affected with SEMA4A-related conditions. This variant is not present in population databases (gnomAD no frequency).